The following is an entry in ClinVar:

NM_001041.4(SI):c.3160C>T (p.Pro1054Ser)

Gene: SI (sucrase-isomaltase; minus strand). Cytogenetic location: 3q26.1.
Variant type: single nucleotide variant.
Coding change: c.3160C>T on transcript NM_001041.4 (MANE Select); coding-DNA position 3160, C replaced by T.
Protein change: p.Pro1054Ser; replaces proline 1054 with serine.
Molecular consequence: missense variant.
Genome position (GRCh38, 1-based): chr3:165,021,323, G>A on the plus strand (C>T on the coding strand, the complement: SI is on the minus strand). VCF-style: chr3-165021323-G-A. GRCh37 (hg19) VCF-style: chr3-164739111-G-A.
Other names: short protein forms P1054S.
Identifiers: ClinVar variation 2851313 (VCV002851313.3), dbSNP rs866396726, ClinGen allele CA86516879.

ClinVar aggregate classification (germline): Uncertain significance (1 of 4 stars; one submission).

gnomAD v4.1: 1 of 1,610,586 alleles (0.000062%); highest among the groups gnomAD compares: Non-Finnish European, 0.000085%; no homozygotes.

Submission:

Labcorp Genetics (formerly Invitae), Labcorp
Classification: Uncertain significance. Last evaluated: 2023-05-30. Review status: criteria provided, single submitter. Criteria: Invitae Variant Classification Sherloc (09022015). Collection method: clinical testing. Allele origin: germline.
Comment: In summary, the available evidence is currently insufficient to determine the role of this variant in disease. Therefore, it has been classified as a Variant of Uncertain Significance. Advanced modeling of protein sequence and biophysical properties (such as structural, functional, and spatial information, amino acid conservation, physicochemical variation, residue mobility, and thermodynamic stability) has been performed at Invitae for this missense variant, however the output from this modeling did not meet the statistical confidence thresholds required to predict the impact of this variant on SI protein function. This variant has not been reported in the literature in individuals affected with SI-related conditions. This variant is not present in population databases (gnomAD no frequency). This sequence change replaces proline, which is neutral and non-polar, with serine, which is neutral and polar, at codon 1054 of the SI protein (p.Pro1054Ser).